The following is an entry in ClinVar:

NM_201384.3(PLEC):c.10499_10513del (p.Arg3500_Asp3504del)

Gene: PLEC (plectin; minus strand). Cytogenetic location: 8q24.3.
Variant type: Deletion.
Coding change: c.10499_10513del on transcript NM_201384.3 (MANE Select); coding-DNA positions 10499 to 10513, 15 bases deleted (GCGTCCTGGCGGACC).
Protein change: p.Arg3500_Asp3504del.
Molecular consequence: inframe deletion. On other transcripts: inframe indel (1).
Genome position (GRCh38, 1-based): chr8:143,919,308-143,919,322, GGTCCGCCAGGACGC deleted on the plus strand (GCGTCCTGGCGGACC on the coding strand, the reverse complement: PLEC is on the minus strand); deleting any 15 consecutive bases within chr8:143,919,308-143,919,325 gives the same sequence; the c. name uses the placement nearest the transcript's 3' end. VCF-style (leftmost placement, unchanged base first): chr8-143919307-GGGTCCGCCAGGACGC-G. GRCh37 (hg19) VCF-style: chr8-144993475-GGGTCCGCCAGGACGC-G.
Other names: c.10580_10594del, p.Arg3527_Asp3531del (NM_000445.5); c.7196_7210delACCGCGTCCTGGCGG, p.Arg2400_Asp2404del (NM_001410941.1); c.10457_10471del, p.Arg3486_Asp3490del (NM_201378.4); c.10433_10447del, p.Arg3478_Asp3482del (NM_201379.3); c.10910_10924del, p.Arg3637_Asp3641del (NM_201380.4); c.10403_10417del, p.Arg3468_Asp3472del (NM_201381.3); c.10499_10513del, p.Arg3500_Asp3504del (NM_201382.4); c.10511_10525del, p.Arg3504_Asp3508del (NM_201383.3).
Identifiers: ClinVar variation 2116578 (VCV002116578.4), dbSNP rs2537226307, ClinGen allele CA2580078639.

ClinVar aggregate classification (germline): Uncertain significance (1 of 4 stars; one submission).

Conditions:
Epidermolysis bullosa simplex, Ogna type (EBS5A). Also called: Pidermolysis bullosa simplex 5A, Ogna type; EPIDERMOLYSIS BULLOSA SIMPLEX 5A, OGNA TYPE. Identifiers: Orphanet 79401, MedGen C0432317, MONDO:0007555, OMIM 131950.
Epidermolysis bullosa simplex with nail dystrophy (EBS5D). Identifiers: MedGen C4225309, MONDO:0014661, OMIM 616487.
Epidermolysis bullosa simplex 5C, with pyloric atresia (EBS5C). Also called: PLEC-Related Epidermolysis Bullosa with Pyloric Atresia; Epidermolysis bullosa simplex with pyloric atresia; PLEC1-Related Epidermolysis Bullosa with Pyloric Atresia. Identifiers: Orphanet 158684, MedGen C2677349, MONDO:0012807, OMIM 612138.
Epidermolysis bullosa simplex 5B, with muscular dystrophy (EBS5B). Also called: EPIDERMOLYSIS BULLOSA SIMPLEX AND LIMB-GIRDLE MUSCULAR DYSTROPHY; Epidermolysis bullosa simplex with muscular dystrophy. Identifiers: Orphanet 257, MedGen C2931072, MONDO:0009181, OMIM 226670.
Autosomal recessive limb-girdle muscular dystrophy type 2Q (LGMDR17). Also called: MUSCULAR DYSTROPHY, LIMB-GIRDLE, AUTOSOMAL RECESSIVE 17. Identifiers: Orphanet 254361, MedGen C3150989, MONDO:0013390, OMIM 613723.

Submission:

Labcorp Genetics (formerly Invitae), Labcorp
Classification: Uncertain significance for Autosomal recessive limb-girdle muscular dystrophy type 2Q; Epidermolysis bullosa simplex, Ogna type; Epidermolysis bullosa simplex with nail dystrophy; Epidermolysis bullosa simplex 5C, with pyloric atresia; Epidermolysis bullosa simplex 5B, with muscular dystrophy. Last evaluated: 2022-03-24. Review status: criteria provided, single submitter. Criteria: Invitae Variant Classification Sherloc (09022015). Collection method: clinical testing. Allele origin: germline.
Comment: In summary, the available evidence is currently insufficient to determine the role of this variant in disease. Therefore, it has been classified as a Variant of Uncertain Significance. Experimental studies and prediction algorithms are not available or were not evaluated, and the functional significance of this variant is currently unknown. This variant has not been reported in the literature in individuals affected with PLEC-related conditions. This variant is not present in population databases (gnomAD no frequency). This variant, c.10580_10594del, results in the deletion of 5 amino acid(s) of the PLEC protein (p.Arg3527_Asp3531del), but otherwise preserves the integrity of the reading frame.